The following is an entry in ClinVar:

ClinVar aggregate classification (germline): Benign. Review status: criteria provided, multiple submitters, no conflicts (2 of 4 stars). 2 submissions from 2 submitters: Benign (2). Last evaluated 2019-08-13.

Submissions (2):

GeneDx
Classification: Benign. Last evaluated: 2019-08-13. Review status: criteria provided, single submitter. Criteria: GeneDx Variant Classification Process June 2021. Collection method: clinical testing. Allele origin: germline. Affected: yes.

Laboratory for Molecular Medicine, Mass General Brigham Personalized Medicine
Classification: Benign. Last evaluated: 2014-12-08. Review status: criteria provided, single submitter. Criteria: LMM Criteria. Collection method: clinical testing. Allele origin: germline. Observed: 20 variant alleles.
Comment: c.1917+13GT[12] in intron 15 of PCDH15: This variant is not expected to have cli nical significance because it is not located within the splice consensus sequenc e. It has been detected in 17.5% (8259/47276) of chromosomes across several dive rse populations by the Exome Aggregate Consortium (g/variant/10-55892600-T-TAC).

NM_033056.3(PCDH15):c.1917+33_1917+34dup

Gene: PCDH15 (protocadherin related 15; minus strand). Cytogenetic location: 10q21.1.
Variant type: Microsatellite.
Coding change: c.1917+33_1917+34dup on transcript NM_033056.3; bases 33 to 34 of the intron after coding-DNA position 1917, 2 bases duplicated (GT; older notation c.1917+33_1917+34dupGT).
Molecular consequence: intron variant (on NM_001384140.1).
Genome position (GRCh38, 1-based): chr10:54,132,841-54,132,842, AC duplicated on the plus strand (GT on the coding strand, the reverse complement: PCDH15 is on the minus strand); duplicating any 2 consecutive bases within chr10:54,132,841-54,132,862 gives the same sequence; the c. name uses the placement nearest the transcript's 3' end. VCF-style (leftmost placement, unchanged base first): chr10-54132840-T-TAC. GRCh37 (hg19) VCF-style: chr10-55892600-T-TAC.
Other names: c.1917+13GT[12] (NM_001354420.2, NM_001354429.2, NM_001384140.1 and 6 more transcripts); c.1932+13GT[12] (NM_001142771.2, NM_001142763.2); c.1938+13GT[12] (NM_001354411.2); c.1953+13GT[12] (NM_001142769.3); c.1851+13GT[12] (NM_001354404.2, NM_001142773.2, NM_001142768.2); c.1806+13GT[12] (NM_001142767.2); c.1784+20238GT[12] (NM_001142765.2).
Identifiers: ClinVar variation 227007 (VCV000227007.6), dbSNP rs5785040, ClinGen allele CA5506216.